The following is an entry in ClinVar:

ClinVar aggregate classification (germline): Uncertain significance (1 of 4 stars; one submission).

Conditions:
Ataxia-telangiectasia syndrome (AT). Also called: Ataxia-telangiectasia; LOUIS-BAR SYNDROME; Ataxia-telangiectasia, complementation group D; AT, COMPLEMENTATION GROUP C; ATAXIA-TELANGIECTASIA, COMPLEMENTATION GROUP A; ATAXIA-TELANGIECTASIA, FRESNO VARIANT. Identifiers: Orphanet 100, MedGen C0004135, MONDO:0008840, OMIM 208900.

Submission:

Labcorp Genetics (formerly Invitae), Labcorp
Classification: Uncertain significance for Ataxia-telangiectasia syndrome. Last evaluated: 2023-11-04. Review status: criteria provided, single submitter. Criteria: Invitae Variant Classification Sherloc (09022015). Collection method: clinical testing. Allele origin: germline.
Comment: This sequence change replaces glutamic acid, which is acidic and polar, with aspartic acid, which is acidic and polar, at codon 2304 of the ATM protein (p.Glu2304Asp). This variant is not present in population databases (gnomAD no frequency). This variant has not been reported in the literature in individuals affected with ATM-related conditions. ClinVar contains an entry for this variant (Variation ID: 1355253). An algorithm developed to predict the effect of missense changes on protein structure and function (PolyPhen-2) suggests that this variant is likely to be disruptive. In summary, the available evidence is currently insufficient to determine the role of this variant in disease. Therefore, it has been classified as a Variant of Uncertain Significance.

NM_000051.4(ATM):c.6912G>C (p.Glu2304Asp)

Genes: ATM (ATM serine/threonine kinase; plus strand), C11orf65 (chromosome 11 open reading frame 65; minus strand). Cytogenetic location: 11q22.3.
Variant type: single nucleotide variant.
Coding change: c.6912G>C on transcript NM_000051.4 (MANE Select); coding-DNA position 6912, G replaced by C.
Protein change: p.Glu2304Asp; replaces glutamic acid 2304 with aspartic acid.
Molecular consequence: missense variant. On other transcripts: intron variant (2).
Genome position (GRCh38, 1-based): chr11:108,326,162, G>C. VCF-style: chr11-108326162-G-C. GRCh37 (hg19) VCF-style: chr11-108196889-G-C.
Other names: c.6912G>C, p.Glu2304Asp (NM_001351834.2); c.641-17091C>G (NM_001330368.2); c.*38+9058C>G (NM_001351110.2); short protein forms E2304D.
Identifiers: ClinVar variation 1355253 (VCV001355253.6), dbSNP rs771382172, ClinGen allele CA382557032.